The following is an entry in ClinVar:

NM_020547.3(AMHR2):c.1626C>A (p.Leu542=)

Gene: AMHR2 (anti-Mullerian hormone receptor type 2; plus strand). Cytogenetic location: 12q13.13.
Variant type: single nucleotide variant.
Coding change: c.1626C>A on transcript NM_020547.3 (MANE Select); coding-DNA position 1626, C replaced by A.
Protein change: p.Leu542=; no amino-acid change (leucine 542 retained).
Molecular consequence: synonymous variant. On other transcripts: 3 prime UTR variant (1).
Genome position (GRCh38, 1-based): chr12:53,431,377, C>A. VCF-style: chr12-53431377-C-A. GRCh37 (hg19) VCF-style: chr12-53825161-C-A.
Other names: c.*185C>A (NM_001164690.2); c.1341C>A, p.Leu447= (NM_001164691.2); c.1626C>A (NM_020547.2).
Identifiers: ClinVar variation 2701613 (VCV002701613.17), dbSNP rs115409230, ClinGen allele CA6600658.

ClinVar aggregate classification (germline): Benign/Likely benign. Review status: criteria provided, multiple submitters, no conflicts (2 of 4 stars). 3 submissions from 3 submitters: Benign (1); Likely benign (2). Last evaluated 2025-03-01.

Conditions:
Inborn genetic diseases. Identifiers: MedGen C0950123, MeSH D030342.

Allele frequency attached by ClinVar (database versions not stated): gnomAD 0.00083; TOPMed 0.00104; ESP Exome Variant Server 0.00154; 1000 Genomes Project 30x 0.00031; 1000 Genomes Project 0.00040.
gnomAD v4.1: 248 of 1,614,242 alleles (0.015%); highest among the groups gnomAD compares: African/African-American, 0.29%; no homozygotes.

Submissions (3):

CeGaT Center for Human Genetics Tuebingen
Classification: Likely benign. Last evaluated: 2025-03-01. Review status: criteria provided, single submitter. Criteria: CeGaT Center For Human Genetics Tuebingen Variant Classification Criteria Version 2. Collection method: clinical testing. Allele origin: germline. Affected: yes. Observed: 2 variant alleles.
Comment: AMHR2: BP4, BP7

Ambry Genetics
Classification: Likely benign for Inborn genetic diseases. Last evaluated: 2024-11-13. Review status: criteria provided, single submitter. Criteria: Ambry Variant Classification Scheme 2023. Collection method: clinical testing. Allele origin: germline.

Labcorp Genetics (formerly Invitae), Labcorp
Classification: Benign. Last evaluated: 2023-09-19. Review status: criteria provided, single submitter. Criteria: Invitae Variant Classification Sherloc (09022015). Collection method: clinical testing. Allele origin: germline.